The following is an entry in ClinVar:

NM_004839.4(HOMER2):c.981C>T (p.Asp327=)

Gene: HOMER2 (homer scaffold protein 2; minus strand). Cytogenetic location: 15q25.2.
Variant type: single nucleotide variant.
Coding change: c.981C>T on transcript NM_004839.4 (MANE Select); coding-DNA position 981, C replaced by T.
Protein change: p.Asp327=; no amino-acid change (aspartic acid 327 retained).
Molecular consequence: synonymous variant.
Genome position (GRCh38, 1-based): chr15:82,849,766, G>A on the plus strand (C>T on the coding strand, the complement: HOMER2 is on the minus strand). VCF-style: chr15-82849766-G-A. GRCh37 (hg19) VCF-style: chr15-83518518-G-A.
Other names: c.1014C>T, p.Asp338= (NM_199330.3).
Identifiers: ClinVar variation 508610 (VCV000508610.11), dbSNP rs34287296, ClinGen allele CA7701946.

ClinVar aggregate classification (germline): Benign. Review status: criteria provided, multiple submitters, no conflicts (2 of 4 stars). 4 submissions from 4 submitters: Benign (4). Last evaluated 2026-01-29.

Allele frequency attached by ClinVar (database versions not stated): 1000 Genomes Project 0.00779; 1000 Genomes Project 30x 0.00796; TOPMed 0.01600; gnomAD 0.01758 and 0.01780; ESP Exome Variant Server 0.01913; gnomAD exomes 0.01972; ExAC 0.02003.
gnomAD v4.1: 40,240 of 1,613,860 alleles (2.5%); highest among the groups gnomAD compares: Non-Finnish European, 2.8%; 605 homozygotes.

Submissions (4):

Labcorp Genetics (formerly Invitae), Labcorp
Classification: Benign. Last evaluated: 2026-01-29. Review status: criteria provided, single submitter. Criteria: Invitae Variant Classification Sherloc (09022015). Collection method: clinical testing. Allele origin: germline.

Athena Diagnostics
Classification: Benign. Last evaluated: 2018-09-20. Review status: criteria provided, single submitter. Criteria: Athena Diagnostics Criteria. Collection method: clinical testing. Allele origin: germline.

GeneDx
Classification: Benign. Last evaluated: 2017-11-29. Review status: criteria provided, single submitter. Criteria: GeneDx Variant Classification (06012015). Collection method: clinical testing. Allele origin: germline. Affected: yes.
Comment: This variant is considered likely benign or benign based on one or more of the following criteria: it is a conservative change, it occurs at a poorly conserved position in the protein, it is predicted to be benign by multiple in silico algorithms, and/or has population frequency not consistent with disease.

Breakthrough Genomics
Classification: Benign. Review status: criteria provided, single submitter. Criteria: ACMG Guidelines, 2015. Collection method: not provided. Allele origin: germline. Inheritance: Autosomal dominant inheritance. Affected: yes.